The following is an entry in ClinVar:

NM_001903.5(CTNNA1):c.468+4A>G

Gene: CTNNA1 (catenin alpha 1; plus strand). Cytogenetic location: 5q31.2.
Variant type: single nucleotide variant.
Coding change: c.468+4A>G on transcript NM_001903.5 (MANE Select); 4 bases into the intron after coding-DNA position 468, A replaced by G.
Molecular consequence: intron variant.
Genome position (GRCh38, 1-based): chr5:138,810,208, A>G. VCF-style: chr5-138810208-A-G. GRCh37 (hg19) VCF-style: chr5-138145897-A-G.
Other names: c.468+4A>G (NM_001903.2, NM_001323982.2, NM_001323984.2 and 4 more transcripts); c.99+4A>G (NM_001290310.3); c.159+4A>G (NM_001290309.3).
Identifiers: ClinVar variation 3706462 (VCV003706462.3).

ClinVar aggregate classification (germline): Uncertain significance. Review status: criteria provided, multiple submitters, no conflicts (2 of 4 stars). 2 submissions from 2 submitters: Uncertain significance (2). Last evaluated 2025-07-07.

Conditions:
Hereditary cancer-predisposing syndrome. Also called: Hereditary neoplastic syndrome; Tumor predisposition; Hereditary Cancer Syndrome; Neoplastic Syndromes, Hereditary. Identifiers: Orphanet 140162, MedGen C0027672, MeSH D009386, MONDO:0015356.

Submissions (2):

Ambry Genetics
Classification: Uncertain significance for Hereditary cancer-predisposing syndrome. Last evaluated: 2025-07-07. Review status: criteria provided, single submitter. Criteria: Ambry Variant Classification Scheme 2023. Collection method: clinical testing. Allele origin: germline.
Comment: The c.468+4A>G intronic variant results from an A to G substitution 4 nucleotides after coding exon 3 in the CTNNA1 gene. This nucleotide position is highly conserved in available vertebrate species. In silico splice site analysis predicts that this alteration will result in the creation or strengthening of a novel splice donor site; however, direct evidence is insufficient at this time (Ambry internal data). Based on the available evidence, the clinical significance of this variant remains unclear.

Labcorp Genetics (formerly Invitae), Labcorp
Classification: Uncertain significance. Last evaluated: 2024-03-15. Review status: criteria provided, single submitter. Criteria: Invitae Variant Classification Sherloc (09022015). Collection method: clinical testing. Allele origin: germline.
Comment: This sequence change falls in intron 4 of the CTNNA1 gene. It does not directly change the encoded amino acid sequence of the CTNNA1 protein. It affects a nucleotide within the consensus splice site. This variant is not present in population databases (gnomAD no frequency). This variant has not been reported in the literature in individuals affected with CTNNA1-related conditions. Variants that disrupt the consensus splice site are a relatively common cause of aberrant splicing (PMID: 17576681, 9536098). Algorithms developed to predict the effect of sequence changes on RNA splicing suggest that this variant may disrupt the consensus splice site. In summary, the available evidence is currently insufficient to determine the role of this variant in disease. Therefore, it has been classified as a Variant of Uncertain Significance.

Literature cited by the submitters: PubMed 17576681 (cited by Labcorp Genetics (formerly Invitae), Labcorp); PubMed 9536098 (cited by Labcorp Genetics (formerly Invitae), Labcorp).